The following is an entry in ClinVar:

NM_001303256.3(MORC2):c.3046A>G (p.Thr1016Ala)

Gene: MORC2 (MORC family CW-type zinc finger 2; minus strand). Cytogenetic location: 22q12.2.
Variant type: single nucleotide variant.
Coding change: c.3046A>G on transcript NM_001303256.3 (MANE Select); coding-DNA position 3046, A replaced by G.
Protein change: p.Thr1016Ala; replaces threonine 1016 with alanine.
Molecular consequence: missense variant.
Genome position (GRCh38, 1-based): chr22:30,926,856, T>C on the plus strand (A>G on the coding strand, the complement: MORC2 is on the minus strand). VCF-style: chr22-30926856-T-C. GRCh37 (hg19) VCF-style: chr22-31322843-T-C.
Other names: c.3037A>G, p.Thr1013Ala (NM_001303257.2); c.2860A>G, p.Thr954Ala (NM_014941.3); short protein forms T1013A, T1016A, T954A.
Identifiers: ClinVar variation 2103006 (VCV002103006.4), dbSNP rs746468192, ClinGen allele CA10186462.
Genomic context (GRCh38, chr22:30,926,856, plus strand): 5'-CCTGCCTTCAGTCCCCCTTGGTGATGAGGTCCTCAATGTAGGCGTCCAGCTCATCATCTG[T>C]GTTGATGTCTATGTCCTGGAATAGAGCAGGGTAGGGATCAACTGGGGGCCAGAAAGTGAT-3'
Protein context (NP_001290185.1, residues 1006-1026): QKVQEDIDIN[Thr1016Ala]DDELDAYIED

ClinVar aggregate classification (germline): Uncertain significance (1 of 4 stars; one submission).

Conditions:
Charcot-Marie-Tooth disease axonal type 2Z. Also called: CHARCOT-MARIE-TOOTH DISEASE, AXONAL, AUTOSOMAL DOMINANT, TYPE 2Z; CHARCOT-MARIE-TOOTH NEUROPATHY, TYPE 2Z. Identifiers: Orphanet 466768, MedGen C5569025, MONDO:0014736, OMIM 616688.

Allele frequency attached by ClinVar (database versions not stated): gnomAD exomes below 0.00001; ExAC 0.00001.

Submission:

Labcorp Genetics (formerly Invitae), Labcorp
Classification: Uncertain significance for Charcot-Marie-Tooth disease axonal type 2Z. Last evaluated: 2022-02-24. Review status: criteria provided, single submitter. Criteria: Invitae Variant Classification Sherloc (09022015). Collection method: clinical testing. Allele origin: germline.
Comment: This variant is present in population databases (rs746468192, gnomAD 0.0009%). This variant has not been reported in the literature in individuals affected with MORC2-related conditions. Algorithms developed to predict the effect of missense changes on protein structure and function are either unavailable or do not agree on the potential impact of this missense change (SIFT: "Not Available"; PolyPhen-2: "Benign"; Align-GVGD: "Not Available"). In summary, the available evidence is currently insufficient to determine the role of this variant in disease. Therefore, it has been classified as a Variant of Uncertain Significance. This sequence change replaces threonine, which is neutral and polar, with alanine, which is neutral and non-polar, at codon 1016 of the MORC2 protein (p.Thr1016Ala).